The following is an entry in ClinVar:

NM_021625.5(TRPV4):c.8A>G (p.Asp3Gly)

Gene: TRPV4 (transient receptor potential cation channel subfamily V member 4; minus strand). Cytogenetic location: 12q24.11.
Variant type: single nucleotide variant.
Coding change: c.8A>G on transcript NM_021625.5 (MANE Select); coding-DNA position 8, A replaced by G.
Protein change: p.Asp3Gly; replaces aspartic acid 3 with glycine.
Molecular consequence: missense variant.
Genome position (GRCh38, 1-based): chr12:109,814,789, T>C on the plus strand (A>G on the coding strand, the complement: TRPV4 is on the minus strand). VCF-style: chr12-109814789-T-C. GRCh37 (hg19) VCF-style: chr12-110252594-T-C.
Other names: p.Asp3Gly; c.8A>G, p.Asp3Gly (NM_001177428.2, NM_001177431.2, NM_001177433.2 and 1 more transcripts); short protein forms D3G.
Identifiers: ClinVar variation 2414489 (VCV002414489.6), dbSNP rs773100579, ClinGen allele CA6780642.

ClinVar aggregate classification (germline): Uncertain significance. Review status: criteria provided, multiple submitters, no conflicts (2 of 4 stars). 3 submissions from 3 submitters: Uncertain significance (3). Last evaluated 2025-12-06.

Conditions:
Charcot-Marie-Tooth disease axonal type 2C (HMSN2C). Also called: Charcot-Marie-Tooth Disease Type 2, TRPV4-Related (CMT2C); CHARCOT-MARIE-TOOTH DISEASE, AXONAL, AUTOSOMAL DOMINANT, TYPE 2C; Charcot-Marie-Tooth Neuropathy Type 2C. Identifiers: Orphanet 99937, MedGen C1853710, MONDO:0011633, OMIM 606071.
Inborn genetic diseases. Identifiers: MedGen C0950123, MeSH D030342.

Allele frequency attached by ClinVar (database versions not stated): gnomAD exomes 0.00001; TOPMed 0.00001.
gnomAD v4.1: 3 of 1,542,012 alleles (0.00019%); highest among the groups gnomAD compares: Admixed American, 0.0059%; no homozygotes.

Submissions (3):

Mayo Clinic Laboratories, Mayo Clinic
Classification: Uncertain significance. Last evaluated: 2025-12-06. Review status: criteria provided, single submitter. Criteria: ACMG Guidelines, 2015. Collection method: clinical testing. Allele origin: germline. Observed: 1 variant allele.

Ambry Genetics
Classification: Uncertain significance for Inborn genetic diseases. Last evaluated: 2025-10-07. Review status: criteria provided, single submitter. Criteria: Ambry Variant Classification Scheme 2023. Collection method: clinical testing. Allele origin: germline.

Labcorp Genetics (formerly Invitae), Labcorp
Classification: Uncertain significance for Charcot-Marie-Tooth disease axonal type 2C. Last evaluated: 2024-08-07. Review status: criteria provided, single submitter. Criteria: Invitae Variant Classification Sherloc (09022015). Collection method: clinical testing. Allele origin: germline.
Comment: This sequence change replaces aspartic acid, which is acidic and polar, with glycine, which is neutral and non-polar, at codon 3 of the TRPV4 protein (p.Asp3Gly). This variant is present in population databases (rs773100579, gnomAD 0.01%). This variant has not been reported in the literature in individuals affected with TRPV4-related conditions. ClinVar contains an entry for this variant (Variation ID: 2414489). Advanced modeling of protein sequence and biophysical properties (such as structural, functional, and spatial information, amino acid conservation, physicochemical variation, residue mobility, and thermodynamic stability) performed at Invitae indicates that this missense variant is not expected to disrupt TRPV4 protein function with a negative predictive value of 95%. In summary, the available evidence is currently insufficient to determine the role of this variant in disease. Therefore, it has been classified as a Variant of Uncertain Significance.